The following is an entry in ClinVar:

ClinVar aggregate classification (germline): Uncertain significance (1 of 4 stars; one submission).

Submission:

Labcorp Genetics (formerly Invitae), Labcorp
Classification: Uncertain significance. Last evaluated: 2022-07-23. Review status: criteria provided, single submitter. Criteria: Invitae Variant Classification Sherloc (09022015). Collection method: clinical testing. Allele origin: germline.
Comment: This variant is not present in population databases (gnomAD no frequency). This sequence change replaces leucine, which is neutral and non-polar, with proline, which is neutral and non-polar, at codon 1303 of the CACNA1B protein (p.Leu1303Pro). This variant has not been reported in the literature in individuals affected with CACNA1B-related conditions. In summary, the available evidence is currently insufficient to determine the role of this variant in disease. Therefore, it has been classified as a Variant of Uncertain Significance. Advanced modeling of protein sequence and biophysical properties (such as structural, functional, and spatial information, amino acid conservation, physicochemical variation, residue mobility, and thermodynamic stability) performed at Invitae indicates that this missense variant is expected to disrupt CACNA1B protein function.

NM_000718.4(CACNA1B):c.3908T>C (p.Leu1303Pro)

Gene: CACNA1B (calcium voltage-gated channel subunit alpha1 B; plus strand). Cytogenetic location: 9q34.3.
Variant type: single nucleotide variant.
Coding change: c.3908T>C on transcript NM_000718.4 (MANE Select); coding-DNA position 3908, T replaced by C.
Protein change: p.Leu1303Pro; replaces leucine 1303 with proline.
Molecular consequence: missense variant.
Genome position (GRCh38, 1-based): chr9:138,053,946, T>C. VCF-style: chr9-138053946-T-C. GRCh37 (hg19) VCF-style: chr9-140948398-T-C.
Other names: c.3908T>C, p.Leu1303Pro (NM_001243812.2); short protein forms L1303P.
Identifiers: ClinVar variation 1713631 (VCV001713631.5), dbSNP rs2539447846, ClinGen allele CA375812944.
Genomic context (GRCh38, chr9:138,053,946, plus strand): 5'-TCAACATCTTGATTGTCTACATGCTCTTCATGTTCATATTTGCCGTCATTGCGGTGCAGC[T>C]CTTCAAAGGGAAGTTTTTCTACTGCACAGATGAATCCAAGGAGCTGGAGAGGGACTGCAG-3'
Protein context (NP_000709.1, residues 1293-1313): MFIFAVIAVQ[Leu1303Pro]FKGKFFYCTD